The following is an entry in ClinVar:

NM_001041.4(SI):c.4994T>C (p.Ile1665Thr)

Gene: SI (sucrase-isomaltase; minus strand). Cytogenetic location: 3q26.1.
Variant type: single nucleotide variant.
Coding change: c.4994T>C on transcript NM_001041.4 (MANE Select); coding-DNA position 4994, T replaced by C.
Protein change: p.Ile1665Thr; replaces isoleucine 1665 with threonine.
Molecular consequence: missense variant.
Genome position (GRCh38, 1-based): chr3:164,991,467, A>G on the plus strand (T>C on the coding strand, the complement: SI is on the minus strand). VCF-style: chr3-164991467-A-G. GRCh37 (hg19) VCF-style: chr3-164709255-A-G.
Other names: short protein forms I1665T.
Identifiers: ClinVar variation 5000435 (VCV005000435.1).

ClinVar aggregate classification (germline): Uncertain significance (1 of 4 stars; one submission).

Conditions:
SI-related disorder. Also called: SI-related condition.

Submission:

PreventionGenetics, part of Exact Sciences
Classification: Uncertain significance for SI-related condition. Last evaluated: 2024-10-18. Review status: criteria provided, single submitter. Criteria: ACMG Guidelines, 2015. Collection method: clinical testing. Allele origin: germline.
Comment: The SI c.4994T>C variant is predicted to result in the amino acid substitution p.Ile1665Thr. To our knowledge, this variant has not been reported in the literature or in a large population database (gnomAD), indicating this variant is rare. At this time, the clinical significance of this variant is uncertain due to the absence of conclusive functional and genetic evidence.